The following is an entry in ClinVar:

ClinVar aggregate classification (germline): Uncertain significance. Review status: criteria provided, multiple submitters, no conflicts (2 of 4 stars). 2 submissions from 2 submitters: Uncertain significance (2). Last evaluated 2024-11-22.

Conditions:
Inborn genetic diseases. Identifiers: MedGen C0950123, MeSH D030342.
Familial cold autoinflammatory syndrome 2 (FCAS2). Identifiers: Orphanet 247868, MedGen C2673198, MONDO:0012724, OMIM 611762.

Allele frequency attached by ClinVar (database versions not stated): ExAC 0.00001; gnomAD exomes 0.00001; TOPMed 0.00002.
gnomAD v4.1: 18 of 1,614,096 alleles (0.0011%); highest among the groups gnomAD compares: Non-Finnish European, 0.0014%; no homozygotes.

Submissions (2):

Labcorp Genetics (formerly Invitae), Labcorp
Classification: Uncertain significance for Familial cold autoinflammatory syndrome 2. Last evaluated: 2024-11-22. Review status: criteria provided, single submitter. Criteria: Invitae Variant Classification Sherloc (09022015). Collection method: clinical testing. Allele origin: germline.
Comment: This sequence change replaces leucine, which is neutral and non-polar, with phenylalanine, which is neutral and non-polar, at codon 762 of the NLRP12 protein (p.Leu762Phe). This variant is present in population databases (rs752188739, gnomAD 0.002%). This variant has not been reported in the literature in individuals affected with NLRP12-related conditions. ClinVar contains an entry for this variant (Variation ID: 662132). Invitae Evidence Modeling of protein sequence and biophysical properties (such as structural, functional, and spatial information, amino acid conservation, physicochemical variation, residue mobility, and thermodynamic stability) indicates that this missense variant is not expected to disrupt NLRP12 protein function with a negative predictive value of 80%. In summary, the available evidence is currently insufficient to determine the role of this variant in disease. Therefore, it has been classified as a Variant of Uncertain Significance.

Ambry Genetics
Classification: Uncertain significance for Inborn genetic diseases. Last evaluated: 2024-11-21. Review status: criteria provided, single submitter. Criteria: Ambry Variant Classification Scheme 2023. Collection method: clinical testing. Allele origin: germline.

NM_144687.4(NLRP12):c.2284C>T (p.Leu762Phe)

Gene: NLRP12 (NLR family pyrin domain containing 12; minus strand). Cytogenetic location: 19q13.42.
Variant type: single nucleotide variant.
Coding change: c.2284C>T on transcript NM_144687.4 (MANE Select); coding-DNA position 2284, C replaced by T.
Protein change: p.Leu762Phe; replaces leucine 762 with phenylalanine.
Molecular consequence: missense variant.
Genome position (GRCh38, 1-based): chr19:53,805,410, G>A on the plus strand (C>T on the coding strand, the complement: NLRP12 is on the minus strand). VCF-style: chr19-53805410-G-A. GRCh37 (hg19) VCF-style: chr19-54308664-G-A.
Other names: c.2287C>T, p.Leu763Phe (NM_001277126.2); c.2284C>T, p.Leu762Phe (NM_001277129.1); c.2284C>T (NM_144687.2); short protein forms L762F, L763F.
Identifiers: ClinVar variation 662132 (VCV000662132.9), dbSNP rs752188739, ClinGen allele CA9639127.